The following is an entry in ClinVar:

ClinVar aggregate classification (germline): Uncertain significance. Review status: criteria provided, multiple submitters, no conflicts (2 of 4 stars). 3 submissions from 3 submitters: Uncertain significance (3). Last evaluated 2025-07-30.

Conditions:
Inborn genetic diseases. Identifiers: MedGen C0950123, MeSH D030342.

gnomAD v4.1: 12 of 1,614,024 alleles (0.00074%); highest among the groups gnomAD compares: African/African-American, 0.0053%; no homozygotes.

Submissions (3):

Labcorp Genetics (formerly Invitae), Labcorp
Classification: Uncertain significance. Last evaluated: 2025-07-30. Review status: criteria provided, single submitter. Criteria: Invitae Variant Classification Sherloc (09022015). Collection method: clinical testing. Allele origin: germline.
Comment: This sequence change replaces glutamic acid, which is acidic and polar, with valine, which is neutral and non-polar, at codon 1135 of the SPTB protein (p.Glu1135Val). This variant is present in population databases (rs375618460, gnomAD 0.01%). This variant has not been reported in the literature in individuals affected with SPTB-related conditions. ClinVar contains an entry for this variant (Variation ID: 3801066). An algorithm developed to predict the effect of missense changes on protein structure and function (PolyPhen-2) suggests that this variant is likely to be disruptive. In summary, the available evidence is currently insufficient to determine the role of this variant in disease. Therefore, it has been classified as a Variant of Uncertain Significance.

Ambry Genetics
Classification: Uncertain significance for Inborn genetic diseases. Last evaluated: 2025-02-27. Review status: criteria provided, single submitter. Criteria: Ambry Variant Classification Scheme 2023. Collection method: clinical testing. Allele origin: germline.

Revvity Omics, Revvity
Classification: Uncertain significance. Last evaluated: 2025-01-06. Review status: criteria provided, single submitter. Criteria: ACMG Guidelines, 2015. Collection method: clinical testing. Allele origin: germline.

NM_001355436.2(SPTB):c.3404A>T (p.Glu1135Val)

Gene: SPTB (spectrin beta, erythrocytic; minus strand). Cytogenetic location: 14q23.3.
Variant type: single nucleotide variant.
Coding change: c.3404A>T on transcript NM_001355436.2 (MANE Select); coding-DNA position 3404, A replaced by T.
Protein change: p.Glu1135Val; replaces glutamic acid 1135 with valine.
Molecular consequence: missense variant.
Genome position (GRCh38, 1-based): chr14:64,786,561, T>A on the plus strand (A>T on the coding strand, the complement: SPTB is on the minus strand). VCF-style: chr14-64786561-T-A. GRCh37 (hg19) VCF-style: chr14-65253279-T-A.
Other names: NM_000347.5:c.3404A>T; c.3404A>T, p.Glu1135Val (NM_001024858.4, NM_001355437.2); short protein forms E1135V.
Identifiers: ClinVar variation 3801066 (VCV003801066.3).